The following is an entry in ClinVar:

ClinVar aggregate classification (germline): Uncertain significance (1 of 4 stars; one submission).

Allele frequency attached by ClinVar (database versions not stated): gnomAD 0.00001; gnomAD exomes 0.00001; TOPMed 0.00001; ExAC 0.00002; ESP Exome Variant Server 0.00008; 1000 Genomes Project 30x 0.00016; 1000 Genomes Project 0.00020.
gnomAD v4.1: 13 of 1,614,222 alleles (0.00081%); highest among the groups gnomAD compares: East Asian, 0.0089%; no homozygotes.

Submission:

Labcorp Genetics (formerly Invitae), Labcorp
Classification: Uncertain significance. Last evaluated: 2024-10-27. Review status: criteria provided, single submitter. Criteria: Invitae Variant Classification Sherloc (09022015). Collection method: clinical testing. Allele origin: germline.
Comment: This sequence change replaces arginine, which is basic and polar, with cysteine, which is neutral and slightly polar, at codon 358 of the CUL7 protein (p.Arg358Cys). This variant is present in population databases (rs144353495, gnomAD 0.006%). This variant has not been reported in the literature in individuals affected with CUL7-related conditions. An algorithm developed to predict the effect of missense changes on protein structure and function (PolyPhen-2) suggests that this variant is likely to be disruptive. In summary, the available evidence is currently insufficient to determine the role of this variant in disease. Therefore, it has been classified as a Variant of Uncertain Significance.

NM_014780.5(CUL7):c.1072C>T (p.Arg358Cys)

Gene: CUL7 (cullin 7; minus strand). Cytogenetic location: 6p21.1.
Variant type: single nucleotide variant.
Coding change: c.1072C>T on transcript NM_014780.5 (MANE Select); coding-DNA position 1072, C replaced by T.
Protein change: p.Arg358Cys; replaces arginine 358 with cysteine.
Molecular consequence: missense variant.
Genome position (GRCh38, 1-based): chr6:43,051,129, G>A on the plus strand (C>T on the coding strand, the complement: CUL7 is on the minus strand). VCF-style: chr6-43051129-G-A. GRCh37 (hg19) VCF-style: chr6-43018867-G-A.
Other names: c.1168C>T, p.Arg390Cys (NM_001168370.2, NM_001374872.1); c.1072C>T, p.Arg358Cys (NM_001374873.1, NM_001374874.1); short protein forms R390C, R358C.
Identifiers: ClinVar variation 2963629 (VCV002963629.3), dbSNP rs144353495, ClinGen allele CA3814246.